The following is an entry in ClinVar:

ClinVar aggregate classification (germline): Likely pathogenic (1 of 4 stars; one submission).

Conditions:
GSS-related disorder. Also called: GSS-related condition.

Submission:

PreventionGenetics, part of Exact Sciences
Classification: Likely pathogenic for GSS-related condition. Last evaluated: 2024-11-22. Review status: criteria provided, single submitter. Criteria: ACMG Guidelines, 2015. Collection method: clinical testing. Allele origin: germline.
Comment: The GSS c.706dupC variant is predicted to result in a frameshift and premature protein termination (p.Arg236Profs*5). To our knowledge, this variant has not been reported in the literature or in a large population database, indicating this variant is rare. Frameshift variants in GSS are expected to be pathogenic. This variant is interpreted as likely pathogenic.

NM_000178.4(GSS):c.706dup (p.Arg236fs)

Gene: GSS (glutathione synthetase; minus strand). Cytogenetic location: 20q11.22.
Variant type: Duplication.
Coding change: c.706dup on transcript NM_000178.4 (MANE Select); coding-DNA position 706, one base duplicated (C; older notation c.706dupC).
Protein change: p.Arg236fs; shifts the reading frame from arginine 236.
Molecular consequence: frameshift variant.
Genome position (GRCh38, 1-based): chr20:34,936,824, G duplicated on the plus strand (C on the coding strand, the reverse complement: GSS is on the minus strand); the first of 2 consecutive G bases (chr20:34,936,824-34,936,825); duplicating either gives the same sequence. VCF-style (leftmost placement, unchanged base first): chr20-34936823-C-CG. GRCh37 (hg19) VCF-style: chr20-33524626-C-CG.
Other names: c.706dup, p.Arg236fs (NM_001322494.1, NM_001322495.1); short protein forms R236fs.
Identifiers: ClinVar variation 2636316 (VCV002636316.2), dbSNP rs2519026353, ClinGen allele CA2695201395.